The following is an entry in ClinVar:

NM_020223.4(FAM20C):c.453_456del (p.Pro152fs)

Gene: FAM20C (FAM20C golgi associated secretory pathway kinase; plus strand). Cytogenetic location: 7p22.3.
Variant type: Deletion.
Coding change: c.453_456del on transcript NM_020223.4 (MANE Select); coding-DNA positions 453 to 456, 4 bases deleted (CCCC; older notation c.453_456delCCCC).
Protein change: p.Pro152fs; shifts the reading frame from proline 152.
Molecular consequence: frameshift variant.
Genome position (GRCh38, 1-based): chr7:193,652-193,655, CCCC deleted; deleting any 4 consecutive bases within chr7:193,650-193,655 gives the same sequence; the c. name uses the placement nearest the transcript's 3' end. VCF-style (leftmost placement, unchanged base first): chr7-193649-GCCCC-G. GRCh37 (hg19) VCF-style: chr7-193649-GCCCC-G.
Other names: short protein forms P152fs.
Identifiers: ClinVar variation 3034036 (VCV003034036.2), dbSNP rs1785701540, ClinGen allele CA2740091542.

ClinVar aggregate classification (germline): Likely pathogenic (0 of 4 stars; one submission).

Conditions:
FAM20C-related disorder. Also called: FAM20C-related condition.

Submission:

PreventionGenetics, part of Exact Sciences
Classification: Likely pathogenic for FAM20C-related condition. Last evaluated: 2023-11-01. Review status: no assertion criteria provided. Collection method: clinical testing. Allele origin: germline.
Comment: The FAM20C c.453_456delCCCC variant is predicted to result in a frameshift and premature protein termination (p.Pro152Alafs*34). To our knowledge, this variant has not been reported in the literature or in a large population database, indicating this variant is rare. Frameshift variants in FAM20C are expected to be pathogenic. This variant is interpreted as likely pathogenic.